The following is an entry in ClinVar:

ClinVar aggregate classification (germline): Benign/Likely benign. Review status: criteria provided, multiple submitters, no conflicts (2 of 4 stars). 8 submissions from 8 submitters: Benign (1); Likely benign (5). 2 of the submissions do not count toward it. Last evaluated 2025-04-09.

Conditions:
Cardiovascular phenotype. Identifiers: MedGen CN230736.
Cardiomyopathy (CMYO). Also called: Cardiomyopathies. Identifiers: Orphanet 167848, MedGen C0878544, MONDO:0004994, HP:0001638. Inheritance: Various modes of inheritance.
Arrhythmogenic right ventricular cardiomyopathy (ARVD). Also called: Arrhythmogenic cardiomyopathy; Cardiomyopathy, ARVC; Arrhythmogenic right ventricular dysplasia; Arrhythmogenic Right Ventricular Cardiomyopathy (ARVC). Identifiers: Orphanet 247, MedGen C0349788, MeSH D019571, MONDO:0016587. Disease mechanism: loss of function. Inheritance: Various modes of inheritance.
Arrhythmogenic right ventricular dysplasia 9 (ARVD9). Also called: Arrhythmogenic Right Ventricular Dysplasia/Cardiomyopathy 9; ARRHYTHMOGENIC RIGHT VENTRICULAR DYSPLASIA, FAMILIAL, 9. Identifiers: MedGen C1836906, MONDO:0012180, OMIM 609040.

Allele frequency attached by ClinVar (database versions not stated): gnomAD exomes below 0.00001; gnomAD 0.00001; TOPMed 0.00001.
gnomAD v4.1: 10 of 1,613,362 alleles (0.00062%); highest among the groups gnomAD compares: Non-Finnish European, 0.00085%; no homozygotes.

Submissions (8):

Molecular Diagnostic Laboratory for Inherited Cardiovascular Disease, Montreal Heart Institute
Classification: Likely benign. Last evaluated: 2025-04-09. Review status: criteria provided, single submitter. Criteria: ACMG Guidelines, 2015. Collection method: clinical testing. Allele origin: germline. Affected: no.

Labcorp Genetics (formerly Invitae), Labcorp
Classification: Likely benign for Arrhythmogenic right ventricular dysplasia 9. Last evaluated: 2025-01-12. Review status: criteria provided, single submitter. Criteria: Invitae Variant Classification Sherloc (09022015). Collection method: clinical testing. Allele origin: germline.

Ambry Genetics
Classification: Likely benign for Cardiovascular phenotype. Last evaluated: 2024-10-08. Review status: criteria provided, single submitter. Criteria: Ambry Variant Classification Scheme 2023. Collection method: clinical testing. Allele origin: germline.

All of Us Research Program, National Institutes of Health
Classification: Likely benign for Arrhythmogenic right ventricular cardiomyopathy. Last evaluated: 2024-08-06. Review status: criteria provided, single submitter. Criteria: ACMG Guidelines, 2015. Collection method: clinical testing. Allele origin: germline. Inheritance: Autosomal dominant inheritance. Observed: 4 variant alleles, 4 heterozygotes.
Comment: This study involves interpretation of variants in research participants for the purpose of population health screening. Participant phenotype was not available at the time of variant classification. Additional details can be found in publication PMID: 35346344, PMCID: PMC8962531

Color Diagnostics, LLC DBA Color Health
Classification: Likely benign for Cardiomyopathy. Last evaluated: 2018-12-01. Review status: criteria provided, single submitter. Criteria: ACMG Guidelines, 2015. Collection method: clinical testing. Allele origin: germline.

GeneDx
Classification: Benign. Last evaluated: 2013-06-11. Review status: criteria provided, single submitter. Criteria: GeneDx Variant Classification (06012015). Collection method: clinical testing. Allele origin: germline. Affected: yes.
Comment: This variant is considered likely benign or benign based on one or more of the following criteria: it is a conservative change, it occurs at a poorly conserved position in the protein, it is predicted to be benign by multiple in silico algorithms, and/or has population frequency not consistent with disease.

Diagnostic Laboratory, Department of Genetics, University Medical Center Groningen
Classification: Likely benign. Review status: no assertion criteria provided. Collection method: clinical testing. Allele origin: germline. Affected: yes. Study: VKGL Data-share Consensus. Not counted in ClinVar's aggregate classification.

Joint Genome Diagnostic Labs from Nijmegen and Maastricht, Radboudumc and MUMC+
Classification: Likely benign. Review status: no assertion criteria provided. Collection method: clinical testing. Allele origin: germline. Affected: yes. Study: VKGL Data-share Consensus. Not counted in ClinVar's aggregate classification.

NM_001005242.3(PKP2):c.2070C>G (p.Thr690=)

Gene: PKP2 (plakophilin 2; minus strand). Cytogenetic location: 12p11.21.
Variant type: single nucleotide variant.
Coding change: c.2070C>G on transcript NM_001005242.3 (MANE Select); coding-DNA position 2070, C replaced by G.
Protein change: p.Thr690=; no amino-acid change (threonine 690 retained).
Molecular consequence: synonymous variant.
Genome position (GRCh38, 1-based): chr12:32,802,500, G>C on the plus strand (C>G on the coding strand, the complement: PKP2 is on the minus strand). VCF-style: chr12-32802500-G-C. GRCh37 (hg19) VCF-style: chr12-32955434-G-C.
Other names: p.T734T:ACC>ACG; c.2070C>G (NM_001005242.2); c.2202C>G, p.Thr734= (NM_004572.4).
Identifiers: ClinVar variation 138695 (VCV000138695.13), dbSNP rs587781109, ClinGen allele CA011789.